The following is an entry in ClinVar:

ClinVar aggregate classification (germline): Uncertain significance (1 of 4 stars; one submission).

Submission:

Ambry Genetics
Classification: Uncertain significance. Last evaluated: 2025-05-11. Review status: criteria provided, single submitter. Criteria: Ambry Variant Classification Scheme 2023. Collection method: clinical testing. Allele origin: germline.
Comment: The p.P267Q variant (also known as c.800C>A), located in coding exon 6 of the GEN1 gene, results from a C to A substitution at nucleotide position 800. The proline at codon 267 is replaced by glutamine, an amino acid with similar properties. This amino acid position is conserved. In addition, the in silico prediction for this alteration is inconclusive. Based on the available evidence, the clinical significance of this variant remains unclear.

NM_001130009.3(GEN1):c.800C>A (p.Pro267Gln)

Gene: GEN1 (GEN1 Holliday junction 5' flap endonuclease; plus strand). Cytogenetic location: 2p24.2.
Variant type: single nucleotide variant.
Coding change: c.800C>A on transcript NM_001130009.3 (MANE Select); coding-DNA position 800, C replaced by A.
Protein change: p.Pro267Gln; replaces proline 267 with glutamine.
Molecular consequence: missense variant.
Genome position (GRCh38, 1-based): chr2:17,771,285, C>A. VCF-style: chr2-17771285-C-A. GRCh37 (hg19) VCF-style: chr2-17952552-C-A.
Other names: c.800C>A, p.Pro267Gln (NM_182625.5); short protein forms P267Q.
Identifiers: ClinVar variation 4029288 (VCV004029288.1).